The following is an entry in ClinVar:

NM_032444.4(SLX4):c.4750C>T (p.Arg1584Cys)

Gene: SLX4 (SLX4 structure-specific endonuclease subunit; minus strand). Cytogenetic location: 16p13.3.
Variant type: single nucleotide variant.
Coding change: c.4750C>T on transcript NM_032444.4 (MANE Select); coding-DNA position 4750, C replaced by T.
Protein change: p.Arg1584Cys; replaces arginine 1584 with cysteine.
Molecular consequence: missense variant.
Genome position (GRCh38, 1-based): chr16:3,583,500, G>A on the plus strand (C>T on the coding strand, the complement: SLX4 is on the minus strand). VCF-style: chr16-3583500-G-A. GRCh37 (hg19) VCF-style: chr16-3633501-G-A.
Other names: c.4750C>T (LRG_503t1); short protein forms R1584C.
Identifiers: ClinVar variation 319149 (VCV000319149.10), dbSNP rs560866356, ClinGen allele CA7865513.
Genomic context (GRCh38, chr16:3,583,500, plus strand): 5'-GGTGAGTGTACTGGAATATCTCCTTCAGCTTCAGAACCATCTGGCGTTTAGGCAGAGGGC[G>A]GACTCCAAACCTGACGGAGGAACAGGTGGATCTCAGGACCCACCCACACAGCTGGTCCAC-3'
Protein context (NP_115820.2, residues 1574-1594): LKKELDRFGV[Arg1584Cys]PLPKRQMVLK

ClinVar aggregate classification (germline): Uncertain significance. Review status: criteria provided, multiple submitters, no conflicts (2 of 4 stars). 4 submissions from 4 submitters: Uncertain significance (4). Last evaluated 2025-05-25.

Conditions:
Fanconi anemia (FA). Also called: Fanconi's anemia. Identifiers: Orphanet 84, MedGen C0015625, MeSH D005199, MONDO:0019391.
Fanconi anemia complementation group P. Also called: SLX4-Related Fanconi Anemia. Identifiers: Orphanet 84, MedGen C3469542, MONDO:0013499, OMIM 613951.

Allele frequency attached by ClinVar (database versions not stated): gnomAD exomes 0.00004; ExAC 0.00005; gnomAD 0.00005; TOPMed 0.00008; 1000 Genomes Project 30x 0.00016; 1000 Genomes Project 0.00020.
gnomAD v4.1: 61 of 1,614,084 alleles (0.0038%); highest among the groups gnomAD compares: African/African-American, 0.023%; no homozygotes.

Submissions (4):

GeneDx
Classification: Uncertain significance. Last evaluated: 2025-05-25. Review status: criteria provided, single submitter. Criteria: GeneDx Variant Classification Process June 2021. Collection method: clinical testing. Allele origin: germline. Affected: yes.
Comment: In silico analysis supports that this missense variant has a deleterious effect on protein structure/function; Has not been previously published as pathogenic or benign to our knowledge

Labcorp Genetics (formerly Invitae), Labcorp
Classification: Uncertain significance for Fanconi anemia. Last evaluated: 2025-02-03. Review status: criteria provided, single submitter. Criteria: Invitae Variant Classification Sherloc (09022015). Collection method: clinical testing. Allele origin: germline.
Comment: This sequence change replaces arginine, which is basic and polar, with cysteine, which is neutral and slightly polar, at codon 1584 of the SLX4 protein (p.Arg1584Cys). This variant is present in population databases (rs560866356, gnomAD 0.008%). This variant has not been reported in the literature in individuals affected with SLX4-related conditions. ClinVar contains an entry for this variant (Variation ID: 319149). An algorithm developed to predict the effect of missense changes on protein structure and function (PolyPhen-2) suggests that this variant is likely to be disruptive. In summary, the available evidence is currently insufficient to determine the role of this variant in disease. Therefore, it has been classified as a Variant of Uncertain Significance.

Fulgent Genetics
Classification: Uncertain significance for Fanconi anemia complementation group P. Last evaluated: 2021-07-22. Review status: criteria provided, single submitter. Criteria: ACMG Guidelines, 2015. Collection method: clinical testing. Allele origin: unknown.

Illumina Laboratory Services, Illumina
Classification: Uncertain significance for Fanconi anemia complementation group P. Last evaluated: 2018-01-12. Review status: criteria provided, single submitter. Criteria: ICSL Variant Classification Criteria 13 December 2019. Collection method: clinical testing. Allele origin: germline.